The following is an entry in ClinVar:

NM_001243156.2(TAF1C):c.508C>T (p.Arg170Ter)

Gene: TAF1C (TATA-box binding protein associated factor, RNA polymerase I subunit C; minus strand). Cytogenetic location: 16q24.1.
Variant type: single nucleotide variant.
Coding change: c.508C>T on transcript NM_001243156.2 (MANE Select); coding-DNA position 508, C replaced by T.
Protein change: p.Arg170Ter; replaces arginine 170 with a stop codon.
Molecular consequence: nonsense. On other transcripts: 5 prime UTR variant (4).
Genome position (GRCh38, 1-based): chr16:84,182,415, G>A on the plus strand (C>T on the coding strand, the complement: TAF1C is on the minus strand). VCF-style: chr16-84182415-G-A. GRCh37 (hg19) VCF-style: chr16-84216021-G-A.
Other names: c.-411C>T (NM_001243157.2, NM_001243158.2); c.-770C>T (NM_001243159.2); c.-955C>T (NM_001243160.2); c.508C>T, p.Arg170Ter (NM_005679.4); c.307C>T, p.Arg103Ter (NM_139353.3); short protein forms R103*, R170*.
Identifiers: ClinVar variation 2570952 (VCV002570952.27), dbSNP rs757860840, ClinGen allele CA8204115.
Genomic context (GRCh38, chr16:84,182,415, plus strand): 5'-AGTGGCTCGCCACCGACGTGCCCAGGATGGGGCCCCCGAGGATAGAGAAGCGGCGCTGTC[G>A]GTTGCTGAGGTAAGCCCAGGGACACCTGGGGACCAGAGAACAGCAGGAGGATCACTCGGT-3'

ClinVar aggregate classification (germline): Uncertain significance (1 of 4 stars; one submission).

Allele frequency attached by ClinVar (database versions not stated): ExAC 0.00001; gnomAD 0.00001; gnomAD exomes 0.00001; TOPMed 0.00002.

Submission:

CeGaT Center for Human Genetics Tuebingen
Classification: Uncertain significance. Last evaluated: 2023-04-01. Review status: criteria provided, single submitter. Criteria: CeGaT Center For Human Genetics Tuebingen Variant Classification Criteria Version 2. Collection method: clinical testing. Allele origin: germline. Affected: yes. Observed: 1 variant allele.
Comment: TAF1C: PM2